The following is an entry in ClinVar:

NM_001190274.2(FBXO11):c.2730dup (p.Thr911fs)

Genes: FBXO11 (F-box protein 11; minus strand), MSH6 (mutS homolog 6; plus strand). Cytogenetic location: 2p16.3.
Variant type: Duplication.
Coding change: c.2730dup on transcript NM_001190274.2 (MANE Select); coding-DNA position 2730, one base duplicated (T; older notation c.2730dupT).
Protein change: p.Thr911fs; shifts the reading frame from threonine 911.
Molecular consequence: frameshift variant. On other transcripts: intron variant (6).
Genome position (GRCh38, 1-based): chr2:47,808,172, A duplicated on the plus strand (T on the coding strand, the reverse complement: FBXO11 is on the minus strand). VCF-style (leftmost placement, unchanged base first): chr2-47808171-T-TA. GRCh37 (hg19) VCF-style: chr2-48035310-T-TA.
Other names: c.2478dup, p.Thr827fs (NM_001374325.1, NM_025133.4); c.*43+1269dup (NM_001406809.1); c.*40+1272dup (NM_001406796.1, NM_001406811.1, NM_001406805.1 and 2 more transcripts); short protein forms T827fs, T911fs.
Identifiers: ClinVar variation 4855522 (VCV004855522.1).

ClinVar aggregate classification (germline): Uncertain significance (1 of 4 stars; one submission).

Conditions:
Intellectual developmental disorder with dysmorphic facies and behavioral abnormalities. Identifiers: MedGen C4748135, MONDO:0060760, OMIM 618089.

Submission:

3billion
Classification: Uncertain significance for Intellectual developmental disorder with dysmorphic facies and behavioral abnormalities. Last evaluated: 2025-07-22. Review status: criteria provided, single submitter. Criteria: ACMG Guidelines, 2015. Collection method: clinical testing. Allele origin: germline. Affected: yes.
Comment: The variant is not observed in the gnomAD v4.1.0 dataset. Predicted Consequence/Location: Frameshift: predicted to result in a loss or disruption of normal protein function through protein truncation. The predicted truncated protein may be shortened by less than 10%. Therefore, this variant is classified as VUS according to the recommendation of ACMG/AMP guideline.